The following is an entry in ClinVar:

NM_006922.4(SCN3A):c.2845T>G (p.Trp949Gly)

Gene: SCN3A (sodium voltage-gated channel alpha subunit 3; minus strand). Cytogenetic location: 2q24.3.
Variant type: single nucleotide variant.
Coding change: c.2845T>G on transcript NM_006922.4 (MANE Select); coding-DNA position 2845, T replaced by G.
Protein change: p.Trp949Gly; replaces tryptophan 949 with glycine.
Molecular consequence: missense variant.
Genome position (GRCh38, 1-based): chr2:165,130,017, A>C on the plus strand (T>G on the coding strand, the complement: SCN3A is on the minus strand). VCF-style: chr2-165130017-A-C. GRCh37 (hg19) VCF-style: chr2-165986527-A-C.
Other names: c.2698T>G, p.Trp900Gly (NM_001081676.2, NM_001081677.2); short protein forms W900G, W949G.
Identifiers: ClinVar variation 4293817 (VCV004293817.1).

ClinVar aggregate classification (germline): Uncertain significance (1 of 4 stars; one submission).

Conditions:
SCN3A-related disorder. Also called: SCN3A-related condition.

Submission:

3billion
Classification: Uncertain significance for SCN3A-related disorder. Last evaluated: 2024-11-15. Review status: criteria provided, single submitter. Criteria: ACMG Guidelines, 2015. Collection method: clinical testing. Allele origin: germline. Affected: yes.
Comment: The variant is not observed in the gnomAD v4.1.0 dataset. Predicted Consequence/Location: Missense variant. Missense changes are a common disease-causing mechanism. In silico tool predictions suggest damaging effect of the variant on gene or gene product [REVEL: 0.97 (>=0.6, sensitivity 0.68 and specificity 0.92); 3Cnet: 0.64 (>=0.6, sensitivity 0.72 and precision 0.9)]. Different missense changes at the same codon have been reported as of uncertain significance (ClinVar ID: VCV001522533). Therefore, this variant is classified as VUS according to the recommendation of ACMG/AMP guideline.